The following is an entry in ClinVar:

NM_005859.5(PURA):c.450C>G (p.Arg150=)

Gene: PURA (purine rich element binding protein A; plus strand). Cytogenetic location: 5q31.3.
Variant type: single nucleotide variant.
Coding change: c.450C>G on transcript NM_005859.5 (MANE Select); coding-DNA position 450, C replaced by G.
Protein change: p.Arg150=; no amino-acid change (arginine 150 retained).
Molecular consequence: synonymous variant.
Genome position (GRCh38, 1-based): chr5:140,114,631, C>G. VCF-style: chr5-140114631-C-G. GRCh37 (hg19) VCF-style: chr5-139494216-C-G.
Other names: p.Arg150=.
Identifiers: ClinVar variation 475287 (VCV000475287.43), dbSNP rs201822080, ClinGen allele CA3437464.

ClinVar aggregate classification (germline): Benign/Likely benign. Review status: criteria provided, multiple submitters, no conflicts (2 of 4 stars). 7 submissions from 7 submitters: Benign (2); Likely benign (4). 1 of the submissions does not count toward it. Last evaluated 2026-02-02.

Conditions:
PURA-related severe neonatal hypotonia-seizures-encephalopathy syndrome (NEDRIHF). Also called: PURA-Related Neurodevelopmental Disorders; NEURODEVELOPMENTAL DISORDER WITH NEONATAL RESPIRATORY INSUFFICIENCY, HYPOTONIA, AND FEEDING DIFFICULTIES. Identifiers: Orphanet 438213, Orphanet 438216, MedGen C4015357, MONDO:1060108, OMIM 616158, MONDO:0018580.
Inborn genetic diseases. Identifiers: MedGen C0950123, MeSH D030342.
PURA-related disorder. Also called: PURA-related condition.

Allele frequency attached by ClinVar (database versions not stated): TOPMed 0.00100; 1000 Genomes Project 30x 0.00297; 1000 Genomes Project 0.00319.
gnomAD v4.1: 418 of 1,609,326 alleles (0.026%); highest among the groups gnomAD compares: East Asian, 0.74%; 2 homozygotes.

Submissions (7):

Labcorp Genetics (formerly Invitae), Labcorp
Classification: Benign for PURA-related severe neonatal hypotonia-seizures-encephalopathy syndrome. Last evaluated: 2026-02-02. Review status: criteria provided, single submitter. Criteria: Invitae Variant Classification Sherloc (09022015). Collection method: clinical testing. Allele origin: germline.

Mayo Clinic Laboratories, Mayo Clinic
Classification: Likely benign. Last evaluated: 2025-06-03. Review status: criteria provided, single submitter. Criteria: ACMG Guidelines, 2015. Collection method: clinical testing. Allele origin: germline. Observed: 1 variant allele.
Comment: BS1, BP4, BP7

Blueprint Genetics
Classification: Likely benign. Last evaluated: 2024-11-04. Review status: criteria provided, single submitter. Criteria: ACMG Guidelines, 2015. Collection method: clinical testing. Allele origin: germline.

CeGaT Center for Human Genetics Tuebingen
Classification: Likely benign. Last evaluated: 2023-02-01. Review status: criteria provided, single submitter. Criteria: CeGaT Center For Human Genetics Tuebingen Variant Classification Criteria Version 2. Collection method: clinical testing. Allele origin: germline. Affected: yes. Observed: 1 variant allele.
Comment: PURA: BP4, BP7, BS1

GeneDx
Classification: Benign. Last evaluated: 2019-03-26. Review status: criteria provided, single submitter. Criteria: GeneDx Variant Classification Process June 2021. Collection method: clinical testing. Allele origin: germline. Affected: yes.

Ambry Genetics
Classification: Likely benign for Inborn genetic diseases. Last evaluated: 2016-05-26. Review status: criteria provided, single submitter. Criteria: Ambry Variant Classification Scheme 2023. Collection method: clinical testing. Allele origin: germline.

PreventionGenetics, part of Exact Sciences
Classification: Benign for PURA-related condition. Last evaluated: 2024-06-20. Review status: no assertion criteria provided. Collection method: clinical testing. Allele origin: germline. Not counted in ClinVar's aggregate classification.
Comment: This variant is classified as benign based on ACMG/AMP sequence variant interpretation guidelines (Richards et al. 2015 PMID: 25741868, with internal and published modifications).